The following is an entry in ClinVar:

ClinVar aggregate classification (germline): Uncertain significance (1 of 4 stars; one submission).

Conditions:
Combined immunodeficiency due to LRBA deficiency. Also called: Common variable immunodeficiency 8, with autoimmunity. Identifiers: Orphanet 445018, MedGen C3553512, MONDO:0013863, OMIM 614700.

Submission:

Labcorp Genetics (formerly Invitae), Labcorp
Classification: Uncertain significance for Combined immunodeficiency due to LRBA deficiency. Last evaluated: 2020-06-30. Review status: criteria provided, single submitter. Criteria: Invitae Variant Classification Sherloc (09022015). Collection method: clinical testing. Allele origin: germline.
Comment: Algorithms developed to predict the effect of missense changes on protein structure and function (SIFT, PolyPhen-2, Align-GVGD) all suggest that this variant is likely to be tolerated, but these predictions have not been confirmed by published functional studies and their clinical significance is uncertain. This variant has not been reported in the literature in individuals with LRBA-related conditions. This variant is not present in population databases (ExAC no frequency). This sequence change replaces asparagine with serine at codon 2542 of the LRBA protein (p.Asn2542Ser). The asparagine residue is moderately conserved and there is a small physicochemical difference between asparagine and serine. In summary, the available evidence is currently insufficient to determine the role of this variant in disease. Therefore, it has been classified as a Variant of Uncertain Significance.

NM_001364905.1(LRBA):c.7592A>G (p.Asn2531Ser)

Gene: LRBA (LPS responsive beige-like anchor protein; minus strand). Cytogenetic location: 4q31.3.
Variant type: single nucleotide variant.
Coding change: c.7592A>G on transcript NM_001364905.1 (MANE Select); coding-DNA position 7592, A replaced by G.
Protein change: p.Asn2531Ser; replaces asparagine 2531 with serine.
Molecular consequence: missense variant.
Genome position (GRCh38, 1-based): chr4:150,321,229, T>C on the plus strand (A>G on the coding strand, the complement: LRBA is on the minus strand). VCF-style: chr4-150321229-T-C. GRCh37 (hg19) VCF-style: chr4-151242381-T-C.
Other names: c.7592A>G, p.Asn2531Ser (NM_001199282.3); c.7607A>G, p.Asn2536Ser (NM_001367550.1); c.7625A>G, p.Asn2542Ser (NM_006726.5); short protein forms N2536S, N2531S, N2542S.
Identifiers: ClinVar variation 1039484 (VCV001039484.8), dbSNP rs1581005435, ClinGen allele CA358600667.
Genomic context (GRCh38, chr4:150,321,229, plus strand): 5'-ATAATGGTATTTCTTTACTTACCAGGAAGGTTGTGCCATTTGTTCACCGCAAATAACCTG[T>C]TAGCAGTGACTGTGATCACAGCGGGAGTTGCCAAACCAGGCTGGGTGTTGGCTGCCACGT-3'
Protein context (NP_001351834.1, residues 2521-2541): ATPAVITVTA[Asn2531Ser]RLFAVNKWHN